The following is an entry in ClinVar:

ClinVar aggregate classification (germline): Uncertain significance (1 of 4 stars; one submission).

Conditions:
Neurofibromatosis, type 1 (NF1). Also called: NEUROFIBROMATOSIS, TYPE I, SOMATIC; Neurofibromatosis, type I; Peripheral type neurofibromatosis; VON RECKLINGHAUSEN DISEASE. Identifiers: Orphanet 636, MedGen C0027831, MONDO:0018975, OMIM 162200. Disease mechanism: loss of function.

Submission:

Labcorp Genetics (formerly Invitae), Labcorp
Classification: Uncertain significance for Neurofibromatosis, type 1. Last evaluated: 2022-03-27. Review status: criteria provided, single submitter. Criteria: Invitae Variant Classification Sherloc (09022015). Collection method: clinical testing. Allele origin: germline.
Comment: In summary, the available evidence is currently insufficient to determine the role of this variant in disease. Therefore, it has been classified as a Variant of Uncertain Significance. Advanced modeling of protein sequence and biophysical properties (such as structural, functional, and spatial information, amino acid conservation, physicochemical variation, residue mobility, and thermodynamic stability) performed at Invitae indicates that this missense variant is not expected to disrupt NF1 protein function. This variant has not been reported in the literature in individuals affected with NF1-related conditions. This variant is not present in population databases (gnomAD no frequency). This sequence change replaces threonine, which is neutral and polar, with proline, which is neutral and non-polar, at codon 36 of the NF1 protein (p.Thr36Pro).

NM_001042492.3(NF1):c.106A>C (p.Thr36Pro)

Gene: NF1 (neurofibromin 1; plus strand). Cytogenetic location: 17q11.2.
Variant type: single nucleotide variant.
Coding change: c.106A>C on transcript NM_001042492.3 (MANE Select); coding-DNA position 106, A replaced by C.
Protein change: p.Thr36Pro; replaces threonine 36 with proline.
Molecular consequence: missense variant.
Genome position (GRCh38, 1-based): chr17:31,156,028, A>C. VCF-style: chr17-31156028-A-C. GRCh37 (hg19) VCF-style: chr17-29483046-A-C.
Other names: c.106A>C, p.Thr36Pro (NM_000267.4, NM_001128147.3); short protein forms T36P.
Identifiers: ClinVar variation 2118179 (VCV002118179.4), dbSNP rs2143625903, ClinGen allele CA398988265.